The following is an entry in ClinVar:

ClinVar aggregate classification (germline): Uncertain significance (1 of 4 stars; one submission).

Conditions:
Cardiovascular phenotype. Identifiers: MedGen CN230736.

Allele frequency attached by ClinVar (database versions not stated): TOPMed 0.00001.
gnomAD v4.1: 14 of 1,550,282 alleles (0.0009%); highest among the groups gnomAD compares: East Asian, 0.0098%; no homozygotes.

Submission:

Ambry Genetics
Classification: Uncertain significance for Cardiovascular phenotype. Last evaluated: 2022-08-16. Review status: criteria provided, single submitter. Criteria: Ambry Variant Classification Scheme 2023. Collection method: clinical testing. Allele origin: germline.
Comment: The p.D2177N variant (also known as c.6529G>A), located in coding exon 2 of the ZNF469 gene, results from a G to A substitution at nucleotide position 6529. The aspartic acid at codon 2177 is replaced by asparagine, an amino acid with highly similar properties. This amino acid position is conserved. In addition, this alteration is predicted to be tolerated by in silico analysis. Since supporting evidence is limited at this time, the clinical significance of this alteration remains unclear.

NM_001367624.2(ZNF469):c.6613G>A (p.Asp2205Asn)

Gene: ZNF469 (zinc finger protein 469; plus strand). Cytogenetic location: 16q24.2.
Variant type: single nucleotide variant.
Coding change: c.6613G>A on transcript NM_001367624.2 (MANE Select); coding-DNA position 6613, G replaced by A.
Protein change: p.Asp2205Asn; replaces aspartic acid 2205 with asparagine.
Molecular consequence: missense variant.
Genome position (GRCh38, 1-based): chr16:88,434,083, G>A. VCF-style: chr16-88434083-G-A. GRCh37 (hg19) VCF-style: chr16-88500491-G-A.
Other names: NM_001127464.1:c.6529G>A; short protein forms D2205N.
Identifiers: ClinVar variation 1754055 (VCV001754055.2), dbSNP rs1322998747, ClinGen allele CA397106301.